The following is an entry in ClinVar:

ClinVar aggregate classification (germline): Likely pathogenic (1 of 4 stars; one submission).

Conditions:
Congenital disorder of glycosylation type 1E (CDG1E). Also called: CONGENITAL DISORDER OF GLYCOSYLATION, TYPE Ie; CDG Ie. Identifiers: Orphanet 79322, MedGen C1837396, MONDO:0012123, OMIM 608799.

Submission:

Labcorp Genetics (formerly Invitae), Labcorp
Classification: Likely pathogenic for Congenital disorder of glycosylation type 1E. Last evaluated: 2025-04-21. Review status: criteria provided, single submitter. Criteria: Invitae Variant Classification Sherloc (09022015). Collection method: clinical testing. Allele origin: germline.
Comment: This sequence change affects a donor splice site in intron 7 of the DPM1 gene. It is expected to disrupt RNA splicing. Variants that disrupt the donor or acceptor splice site typically lead to a loss of protein function (PMID: 16199547), and loss-of-function variants in DPM1 are known to be pathogenic (PMID: 10642597, 10642602). This variant is not present in population databases (gnomAD no frequency). This variant has not been reported in the literature in individuals affected with DPM1-related conditions. ClinVar contains an entry for this variant (Variation ID: 3729459). Algorithms developed to predict the effect of sequence changes on RNA splicing suggest that this variant may disrupt the consensus splice site. In summary, the currently available evidence indicates that the variant is pathogenic, but additional data are needed to prove that conclusively. Therefore, this variant has been classified as Likely Pathogenic.

Literature cited by the submitters: PubMed 16199547; PubMed 10642597; PubMed 10642602.

NM_003859.3(DPM1):c.563+1G>A

Genes: ADNP-AS1 (ADNP antisense RNA 1; plus strand), DPM1 (dolichyl-phosphate mannosyltransferase subunit 1, catalytic; minus strand). Cytogenetic location: 20q13.13.
Variant type: single nucleotide variant.
Coding change: c.563+1G>A on transcript NM_003859.3 (MANE Select); the canonical splice donor site of the intron after coding-DNA position 563, G replaced by A.
Molecular consequence: splice donor variant. On other transcripts: intron variant (1).
Genome position (GRCh38, 1-based): chr20:50,940,864, C>T on the plus strand (G>A on the coding strand, the complement: DPM1 is on the minus strand). VCF-style: chr20-50940864-C-T. GRCh37 (hg19) VCF-style: chr20-49557401-C-T.
Other names: c.494+1167G>A (NM_001317036.1); c.644+1G>A (NM_001317035.1); c.668+1G>A (NM_001317034.1).
Identifiers: ClinVar variation 3729459 (VCV003729459.2).
Genomic context (GRCh38, chr20:50,940,864, plus strand): 5'-ATCCATTGTAAAGAAAGTTAGCCAAGAAGTTATATAAAAGTAGTGGAAATTTTCACTGTA[C>T]CTGAAACTTCCTGTTAAATCAGATGCTCCTGGTCTCAGCAAGATCTGAGTTAAAAAATTG-3'